The following is an entry in ClinVar:

ClinVar aggregate classification (germline): Pathogenic (1 of 4 stars; one submission).

Conditions:
Jeune thoracic dystrophy. Also called: Jeune syndrome; Infantile thoracic dystrophy; Thoracic pelvic phalangeal dystrophy; Jeune's syndrome; Chondroectodermal dysplasia-like syndrome; Short-rib thoracic dysplasia. Identifiers: Orphanet 474, MedGen C0265275, MONDO:0018770.
Nephronophthisis. Also called: Juvenile Nephronophthisis. Identifiers: Orphanet 655, MedGen C0687120, MONDO:0019005, HP:0000090.

Submission:

Labcorp Genetics (formerly Invitae), Labcorp
Classification: Pathogenic for Jeune thoracic dystrophy; Nephronophthisis. Last evaluated: 2022-10-25. Review status: criteria provided, single submitter. Criteria: Invitae Variant Classification Sherloc (09022015). Collection method: clinical testing. Allele origin: germline.
Comment: This variant is not present in population databases (gnomAD no frequency). This sequence change creates a premature translational stop signal (p.Gln1026*) in the TTC21B gene. It is expected to result in an absent or disrupted protein product. Loss-of-function variants in TTC21B are known to be pathogenic (PMID: 18327258, 21068128, 21258341, 23559409, 24876116, 25492405, 27491411, 29068549). For these reasons, this variant has been classified as Pathogenic. Algorithms developed to predict the effect of sequence changes on RNA splicing suggest that this variant may disrupt the consensus splice site. ClinVar contains an entry for this variant (Variation ID: 1458640). This variant has not been reported in the literature in individuals affected with TTC21B-related conditions.

Literature cited by the submitters: PubMed 18327258; PubMed 21068128; PubMed 21258341; PubMed 23559409; PubMed 24876116; PubMed 25492405; PubMed 27491411; PubMed 29068549.

NM_024753.5(TTC21B):c.3076C>T (p.Gln1026Ter)

Gene: TTC21B (tetratricopeptide repeat domain 21B; minus strand). Cytogenetic location: 2q24.3.
Variant type: single nucleotide variant.
Coding change: c.3076C>T on transcript NM_024753.5 (MANE Select); coding-DNA position 3076, C replaced by T.
Protein change: p.Gln1026Ter; replaces glutamine 1026 with a stop codon.
Molecular consequence: nonsense.
Genome position (GRCh38, 1-based): chr2:165,890,863, G>A on the plus strand (C>T on the coding strand, the complement: TTC21B is on the minus strand). VCF-style: chr2-165890863-G-A. GRCh37 (hg19) VCF-style: chr2-166747373-G-A.
Other names: short protein forms Q1026*.
Identifiers: ClinVar variation 1458640 (VCV001458640.6), dbSNP rs2105291990, ClinGen allele CA349048257.
Genomic context (GRCh38, chr2:165,890,863, plus strand): 5'-AAAATCATGTAGCATTTATTTGTAAATAGATTTACCAAAGATACAGTCCTTTACAATACT[G>A]AAATCCTGGTTCCAATTTTGCTCTGGAGTTACGTTTCTCAGCCATTGAGAAAAATCTTGG-3'